The following is an entry in ClinVar:

NM_001384732.1(CPLANE1):c.9320del (p.Thr3107fs)

Gene: CPLANE1 (ciliogenesis and planar polarity effector complex subunit 1; minus strand). Cytogenetic location: 5p13.2.
Variant type: Deletion.
Coding change: c.9320del on transcript NM_001384732.1 (MANE Select); coding-DNA position 9320, one base deleted (C; older notation c.9320delC).
Protein change: p.Thr3107fs; shifts the reading frame from threonine 3107.
Molecular consequence: frameshift variant.
Genome position (GRCh38, 1-based): chr5:37,115,040, G deleted on the plus strand (C on the coding strand, the reverse complement: CPLANE1 is on the minus strand). VCF-style (leftmost placement, unchanged base first): chr5-37115039-AG-A. GRCh37 (hg19) VCF-style: chr5-37115141-AG-A.
Other names: c.9158del, p.Thr3053fs (NM_023073.4); c.9158del (NM_023073.3); short protein forms T3053fs, T3107fs.
Identifiers: ClinVar variation 3592355 (VCV003592355.2).

ClinVar aggregate classification (germline): Pathogenic/Likely pathogenic. Review status: criteria provided, multiple submitters, no conflicts (2 of 4 stars). 2 submissions from 2 submitters: Pathogenic (1); Likely pathogenic (1). Last evaluated 2026-01-17.

Conditions:
Joubert syndrome 17 (JBTS17). Identifiers: Orphanet 475, MedGen C3553264, MONDO:0013824, OMIM 614615.
Orofaciodigital syndrome type 6 (OFD6). Also called: OROFACIODIGITAL SYNDROME VI; OFDS VI; POLYDACTYLY, CLEFT LIP/PALATE OR LINGUAL LUMP, AND PSYCHOMOTOR RETARDATION; VARADI SYNDROME; VARADI-PAPP SYNDROME; Oral-facial-digital syndrome type 6. Identifiers: Orphanet 2754, MedGen C2745997, MONDO:0010176, OMIM 277170.

Submissions (2):

Labcorp Genetics (formerly Invitae), Labcorp
Classification: Pathogenic. Last evaluated: 2026-01-17. Review status: criteria provided, single submitter. Criteria: Invitae Variant Classification Sherloc (09022015). Collection method: clinical testing. Allele origin: germline.
Comment: This sequence change creates a premature translational stop signal (p.Thr3053Ilefs*15) in the CPLANE1 gene. It is expected to result in an absent or disrupted protein product. Loss-of-function variants in CPLANE1 are known to be pathogenic (PMID: 24178751, 26092869). The frequency data for this variant in the population databases is considered unreliable, as metrics indicate poor data quality at this position in the gnomAD database. This variant has not been reported in the literature in individuals affected with CPLANE1-related conditions. ClinVar contains an entry for this variant (Variation ID: 3592355). For these reasons, this variant has been classified as Pathogenic.

Fulgent Genetics
Classification: Likely pathogenic for Orofaciodigital syndrome type 6; Joubert syndrome 17. Last evaluated: 2024-04-16. Review status: criteria provided, single submitter. Criteria: ACMG Guidelines, 2015. Collection method: clinical testing. Allele origin: germline.

Literature cited by the submitters: PubMed 24178751 (cited by Labcorp Genetics (formerly Invitae), Labcorp); PubMed 26092869 (cited by Labcorp Genetics (formerly Invitae), Labcorp).